The following is an entry in ClinVar:

ClinVar aggregate classification (germline): Uncertain significance (1 of 4 stars; one submission).

Conditions:
Hereditary cancer-predisposing syndrome. Also called: Neoplastic Syndromes, Hereditary; Tumor predisposition; Hereditary neoplastic syndrome; Hereditary Cancer Syndrome. Identifiers: Orphanet 140162, MedGen C0027672, MeSH D009386, MONDO:0015356.

Allele frequency attached by ClinVar (database versions not stated): gnomAD exomes below 0.00001.

Submission:

Ambry Genetics
Classification: Uncertain significance for Hereditary cancer-predisposing syndrome. Last evaluated: 2023-10-06. Review status: criteria provided, single submitter. Criteria: Ambry Variant Classification Scheme 2023. Collection method: clinical testing. Allele origin: germline.
Comment: The p.I711N variant (also known as c.2132T>A), located in coding exon 11 of the RET gene, results from a T to A substitution at nucleotide position 2132. The isoleucine at codon 711 is replaced by asparagine, an amino acid with dissimilar properties. This amino acid position is conserved. In addition, this alteration is predicted to be deleterious by in silico analysis. Since supporting evidence is limited at this time, the clinical significance of this alteration remains unclear.

NM_020975.6(RET):c.2132T>A (p.Ile711Asn)

Gene: RET (ret proto-oncogene; plus strand). Cytogenetic location: 10q11.21.
Variant type: single nucleotide variant.
Coding change: c.2132T>A on transcript NM_020975.6 (MANE Select); coding-DNA position 2132, T replaced by A.
Protein change: p.Ile711Asn; replaces isoleucine 711 with asparagine.
Molecular consequence: missense variant.
Genome position (GRCh38, 1-based): chr10:43,114,732, T>A. VCF-style: chr10-43114732-T-A. GRCh37 (hg19) VCF-style: chr10-43610180-T-A.
Other names: c.2132T>A, p.Ile711Asn (NM_000323.2, NM_001406743.1, NM_001406744.1 and 4 more transcripts); c.1370T>A, p.Ile457Asn (NM_001355216.2); c.2003T>A, p.Ile668Asn (NM_001406761.1, NM_001406762.1, NM_001406764.1); c.1997T>A, p.Ile666Asn (NM_001406763.1, NM_001406765.1); c.1844T>A, p.Ile615Asn (NM_001406766.1, NM_001406767.1, NM_001406770.1); c.1868T>A, p.Ile623Asn (NM_001406768.1); c.1736T>A, p.Ile579Asn (NM_001406769.1, NM_001406772.1); c.1694T>A, p.Ile565Asn (NM_001406771.1, NM_001406773.1); and 10 more; short protein forms I228N, I276N, I316N, I367N, I369N, I372N, I381N, I412N.
Identifiers: ClinVar variation 3227522 (VCV003227522.1), dbSNP rs2132855771, ClinGen allele CA376553405.